The following is an entry in ClinVar:

NM_002456.6(MUC1):c.800C>G (p.Ala267Gly)

Gene: MUC1 (mucin 1, cell surface associated; minus strand). Cytogenetic location: 1q22.
Variant type: single nucleotide variant.
Coding change: c.800C>G on transcript NM_002456.6; coding-DNA position 800, C replaced by G.
Protein change: p.Ala267Gly; replaces alanine 267 with glycine.
Molecular consequence: missense variant. On other transcripts: 3 prime UTR variant (3).
Genome position (GRCh38, 1-based): chr1:155,186,157, G>C on the plus strand (C>G on the coding strand, the complement: MUC1 is on the minus strand). VCF-style: chr1-155186157-G-C. GRCh37 (hg19) VCF-style: chr1-155158633-G-C.
Other names: c.458C>G, p.Ala153Gly (NM_001044392.3); c.*81C>G (NM_001044393.3, NM_001204288.2, NM_001204293.2); c.1406C>G, p.Ala469Gly (NM_001204285.2); c.1433C>G, p.Ala478Gly (NM_001204286.1); c.827C>G, p.Ala276Gly (NM_001204287.2); c.695C>G, p.Ala232Gly (NM_001204289.2); c.632C>G, p.Ala211Gly (NM_001204290.2); c.704C>G, p.Ala235Gly (NM_001204291.1); and 10 more; short protein forms A1224G, A144G, A153G, A171G, A183G, A197G, A206G, A211G.
Identifiers: ClinVar variation 3061706 (VCV003061706.2), dbSNP rs747879087, ClinGen allele CA1139270.

ClinVar aggregate classification (germline): Uncertain significance (0 of 4 stars; one submission).

Conditions:
MUC1-related disorder. Also called: MUC1-related condition.

Allele frequency attached by ClinVar (database versions not stated): gnomAD exomes 0.00001; ExAC 0.00004; gnomAD 0.00009; TOPMed 0.00013.

Submission:

PreventionGenetics, part of Exact Sciences
Classification: Uncertain significance for MUC1-related condition. Last evaluated: 2023-11-22. Review status: no assertion criteria provided. Collection method: clinical testing. Allele origin: germline.
Comment: The MUC1 c.800C>G variant is predicted to result in the amino acid substitution p.Ala267Gly. To our knowledge, this variant has not been reported in the literature. This variant is reported in 0.015% of alleles in individuals of African descent in gnomAD. At this time, the clinical significance of this variant is uncertain due to the absence of conclusive functional and genetic evidence.